The following is an entry in ClinVar:

NM_177972.3(TUB):c.179G>A (p.Arg60Gln)

Gene: TUB (TUB bipartite transcription factor; plus strand). Cytogenetic location: 11p15.4.
Variant type: single nucleotide variant.
Coding change: c.179G>A on transcript NM_177972.3 (MANE Select); coding-DNA position 179, G replaced by A.
Protein change: p.Arg60Gln; replaces arginine 60 with glutamine.
Molecular consequence: missense variant.
Genome position (GRCh38, 1-based): chr11:8,090,157, G>A. VCF-style: chr11-8090157-G-A. GRCh37 (hg19) VCF-style: chr11-8111704-G-A.
Other names: c.344G>A, p.Arg115Gln (NM_003320.5); short protein forms R115Q, R60Q.
Identifiers: ClinVar variation 1047620 (VCV001047620.9), dbSNP rs138582478, ClinGen allele CA5870985.
Genomic context (GRCh38, chr11:8,090,157, plus strand): 5'-AGAAGCGCCAGGAGCCCCTGATGGTGCAGGCCAATGCAGATGGGCGGCCCCGGAGCCGGC[G>A]GGCCCGGCAGTCAGAGGAACAAGCCCCCCTGGTGGAGTCCTACCTCAGCAGCAGTGGCAG-3'
Protein context (NP_813977.1, residues 50-70): ANADGRPRSR[Arg60Gln]ARQSEEQAPL

ClinVar aggregate classification (germline): Uncertain significance (1 of 4 stars; one submission).

Allele frequency attached by ClinVar (database versions not stated): TOPMed below 0.00001; gnomAD 0.00001; gnomAD exomes 0.00001 and 0.00003; ExAC 0.00003; 1000 Genomes Project 30x 0.00016; 1000 Genomes Project 0.00020.
gnomAD v4.1: 18 of 1,613,578 alleles (0.0011%); highest among the groups gnomAD compares: Admixed American, 0.0017%; no homozygotes.

Submission:

Labcorp Genetics (formerly Invitae), Labcorp
Classification: Uncertain significance. Last evaluated: 2022-01-18. Review status: criteria provided, single submitter. Criteria: Invitae Variant Classification Sherloc (09022015). Collection method: clinical testing. Allele origin: germline.
Comment: In summary, the available evidence is currently insufficient to determine the role of this variant in disease. Therefore, it has been classified as a Variant of Uncertain Significance. Algorithms developed to predict the effect of missense changes on protein structure and function are either unavailable or do not agree on the potential impact of this missense change (SIFT: "Deleterious"; PolyPhen-2: "Probably Damaging"; Align-GVGD: "Class C0"). ClinVar contains an entry for this variant (Variation ID: 1047620). This variant has not been reported in the literature in individuals affected with TUB-related conditions. This variant is present in population databases (rs138582478, gnomAD 0.007%). This sequence change replaces arginine, which is basic and polar, with glutamine, which is neutral and polar, at codon 115 of the TUB protein (p.Arg115Gln).